The following is an entry in ClinVar:

NM_005751.5(AKAP9):c.4355G>A (p.Ser1452Asn)

Gene: AKAP9 (A-kinase anchoring protein 9; plus strand). Cytogenetic location: 7q21.2.
Variant type: single nucleotide variant.
Coding change: c.4355G>A on transcript NM_005751.5 (MANE Select); coding-DNA position 4355, G replaced by A.
Protein change: p.Ser1452Asn; replaces serine 1452 with asparagine.
Molecular consequence: missense variant.
Genome position (GRCh38, 1-based): chr7:92,038,435, G>A. VCF-style: chr7-92038435-G-A. GRCh37 (hg19) VCF-style: chr7-91667749-G-A.
Other names: c.4355G>A, p.Ser1452Asn (NM_147185.3); short protein forms S1452N.
Identifiers: ClinVar variation 836053 (VCV000836053.9), dbSNP rs1805531517, ClinGen allele CA368128570.

ClinVar aggregate classification (germline): Uncertain significance (1 of 4 stars; one submission).

Conditions:
Long QT syndrome (LQTS). Identifiers: MedGen C0023976, MeSH D008133, MONDO:0002442. Disease mechanism: loss of function. Inheritance: Various modes of inheritance.

Allele frequency attached by ClinVar (database versions not stated): gnomAD exomes below 0.00001; gnomAD 0.00001.
gnomAD v4.1: 2 of 1,612,632 alleles (0.00012%); highest among the groups gnomAD compares: Admixed American, 0.0017%; no homozygotes.

Submission:

Labcorp Genetics (formerly Invitae), Labcorp
Classification: Uncertain significance for Long QT syndrome. Last evaluated: 2022-07-25. Review status: criteria provided, single submitter. Criteria: Invitae Variant Classification Sherloc (09022015). Collection method: clinical testing. Allele origin: germline.
Comment: This sequence change replaces serine, which is neutral and polar, with asparagine, which is neutral and polar, at codon 1452 of the AKAP9 protein (p.Ser1452Asn). In summary, the available evidence is currently insufficient to determine the role of this variant in disease. Therefore, it has been classified as a Variant of Uncertain Significance. Algorithms developed to predict the effect of missense changes on protein structure and function are either unavailable or do not agree on the potential impact of this missense change (SIFT: "Deleterious"; PolyPhen-2: "Probably Damaging"; Align-GVGD: "Class C0"). ClinVar contains an entry for this variant (Variation ID: 836053). This variant has not been reported in the literature in individuals affected with AKAP9-related conditions. This variant is not present in population databases (gnomAD no frequency).